The following is an entry in ClinVar:

NM_000554.6(CRX):c.196G>A (p.Val66Ile)

Gene: CRX (cone-rod homeobox; plus strand). Cytogenetic location: 19q13.33.
Variant type: single nucleotide variant.
Coding change: c.196G>A on transcript NM_000554.6 (MANE Select); coding-DNA position 196, G replaced by A.
Protein change: p.Val66Ile; replaces valine 66 with isoleucine.
Molecular consequence: missense variant.
Genome position (GRCh38, 1-based): chr19:47,836,338, G>A. VCF-style: chr19-47836338-G-A. GRCh37 (hg19) VCF-style: chr19-48339595-G-A.
Other names: short protein forms V66I.
Identifiers: ClinVar variation 99597 (VCV000099597.69), dbSNP rs61748438, ClinGen allele CA227614.
Genomic context (GRCh38, chr19:47,836,338, plus strand): 5'-TTCACCCGGAGCCAACTGGAGGAGCTGGAGGCACTGTTTGCCAAGACCCAGTACCCAGAC[G>A]TCTATGCCCGTGAGGAGGTGGCTCTGAAGATCAATCTGCCTGAGTCCAGGGTTCAGGTGG-3'
Protein context (NP_000545.1, residues 56-76): ALFAKTQYPD[Val66Ile]YAREEVALKI

ClinVar aggregate classification (germline): Benign/Likely benign. Review status: criteria provided, multiple submitters, no conflicts (2 of 4 stars). 16 submissions from 14 submitters: Benign (6); Likely benign (7). 3 of the submissions do not count toward it. Last evaluated 2026-02-01.

Conditions:
Retinal dystrophy. Also called: Inherited retinal dystrophy. Identifiers: Orphanet 71862, MedGen C0854723, MeSH D058499, MONDO:0019118, HP:0000556.
Leber congenital amaurosis 7 (LCA7). Identifiers: Orphanet 65, MedGen C3151192, MONDO:0013449, OMIM 613829.
Cone-rod dystrophy 2 (CORD2). Also called: CONE-ROD RETINAL DYSTROPHY; Cone-rod retinal dystrophy 2. Identifiers: Orphanet 1872, MedGen C3489532, MONDO:0007362, OMIM 120970.
Retinitis pigmentosa (RP). Identifiers: Orphanet 791, MedGen C0035334, MeSH D012174, MONDO:0019200, OMIM 268000. Inheritance: Autosomal dominant, autosomal recessive and X linked inheritance.
Leber congenital amaurosis 1 (LCA1). Also called: RETINAL BLINDNESS, CONGENITAL; Congenital absence of the rods and cones; Leber's congenital tapetoretinal degeneration; Leber's congenital tapetoretinal dysplasia; AMAUROSIS CONGENITA OF LEBER I. Identifiers: Orphanet 65, MedGen C2931258, MONDO:0008764, OMIM 204000.

Allele frequency attached by ClinVar (database versions not stated): 1000 Genomes Project 30x 0.00094; 1000 Genomes Project 0.00100; TOPMed 0.00154; gnomAD 0.00231 and 0.00234; ESP Exome Variant Server 0.00261; ExAC 0.00295; gnomAD exomes 0.00324.
gnomAD v4.1: 5,577 of 1,614,198 alleles (0.35%); highest among the groups gnomAD compares: South Asian, 0.76%; 24 homozygotes.

Submissions (16):

Labcorp Genetics (formerly Invitae), Labcorp
Classification: Benign for Cone-rod dystrophy 2; Leber congenital amaurosis 7. Last evaluated: 2026-02-01. Review status: criteria provided, single submitter. Criteria: Invitae Variant Classification Sherloc (09022015). Collection method: clinical testing. Allele origin: germline.

Blueprint Genetics
Classification: Likely benign. Last evaluated: 2024-11-28. Review status: criteria provided, single submitter. Criteria: ACMG Guidelines, 2015. Collection method: clinical testing. Allele origin: germline.

CeGaT Center for Human Genetics Tuebingen
Classification: Likely benign. Last evaluated: 2024-11-01. Review status: criteria provided, single submitter. Criteria: CeGaT Center For Human Genetics Tuebingen Variant Classification Criteria Version 2. Collection method: clinical testing. Allele origin: germline. Affected: yes. Observed: 3 variant alleles.
Comment: CRX: BS2

Dept Of Ophthalmology, Nagoya University
Classification: Benign for Retinal dystrophy. Last evaluated: 2023-10-01. Review status: criteria provided, single submitter. Criteria: Submitter's publication. Collection method: research. Allele origin: germline. Affected: yes.

ARUP Laboratories, Molecular Genetics and Genomics, ARUP Laboratories
Classification: Benign. Last evaluated: 2021-08-24. Review status: criteria provided, single submitter. Criteria: ARUP Molecular Germline Variant Investigation Process 2021. Collection method: clinical testing. Allele origin: germline.

Institute of Human Genetics, Univ. Regensburg, Univ. Regensburg
Classification: Likely benign for Retinal dystrophy. Last evaluated: 2021-01-01. Review status: criteria provided, single submitter. Criteria: ACMG Guidelines, 2015. Collection method: clinical testing. Allele origin: germline. Affected: yes.

Mendelics
Classification: Likely benign for Leber congenital amaurosis 1. Last evaluated: 2019-05-28. Review status: criteria provided, single submitter. Criteria: Mendelics Assertion Criteria 2017. Collection method: clinical testing. Allele origin: unknown.

GeneDx
Classification: Likely benign. Last evaluated: 2018-12-13. Review status: criteria provided, single submitter. Criteria: GeneDx Variant Classification Process June 2021. Collection method: clinical testing. Allele origin: germline. Affected: yes.
Comment: This variant is associated with the following publications: (PMID: 27013732, 27884173, 16123401, 24066033, 24265693)

Illumina Laboratory Services, Illumina
Classification: Likely benign for Leber congenital amaurosis 7. Last evaluated: 2018-03-06. Review status: criteria provided, single submitter. Criteria: ICSL Variant Classification Criteria 13 December 2019. Collection method: clinical testing. Allele origin: germline.
Comment: This variant was observed in the ICSL laboratory as part of a predisposition screen in an ostensibly healthy population. It had not been previously curated by ICSL or reported in the Human Gene Mutation Database (HGMD: prior to June 1st, 2018), and was therefore a candidate for classification through an automated scoring system. Utilizing variant allele frequency, disease prevalence and penetrance estimates, and inheritance mode, an automated score was calculated to assess if this variant is too frequent to cause the disease. Based on the score and internal cut-off values, a variant classified as likely benign is not then subjected to further curation. The score for this variant resulted in a classification of likely benign for this disease.

Illumina Laboratory Services, Illumina
Classification: Benign for Retinitis pigmentosa. Last evaluated: 2018-03-06. Review status: criteria provided, single submitter. Criteria: ICSL Variant Classification Criteria 13 December 2019. Collection method: clinical testing. Allele origin: germline.
Comment: This variant was observed in the ICSL laboratory as part of a predisposition screen in an ostensibly healthy population. It had not been previously curated by ICSL or reported in the Human Gene Mutation Database (HGMD: prior to June 1st, 2018), and was therefore a candidate for classification through an automated scoring system. Utilizing variant allele frequency, disease prevalence and penetrance estimates, and inheritance mode, an automated score was calculated to assess if this variant is too frequent to cause the disease. Based on the score and internal cut-off values, a variant classified as benign is not then subjected to further curation. The score for this variant resulted in a classification of benign for this disease.

Illumina Laboratory Services, Illumina
Classification: Benign for Cone-rod dystrophy 2. Last evaluated: 2018-03-06. Review status: criteria provided, single submitter. Criteria: ICSL Variant Classification Criteria 13 December 2019. Collection method: clinical testing. Allele origin: germline.
Comment: the same text as in the submission from Illumina Laboratory Services, Illumina above.

Eurofins Ntd Llc (ga)
Classification: Benign. Last evaluated: 2016-08-25. Review status: criteria provided, single submitter. Criteria: EGL Classification Definitions 2015. Collection method: clinical testing. Allele origin: germline. Observed: 1 variant allele, 1 heterozygote.

Breakthrough Genomics
Classification: Likely benign. Review status: criteria provided, single submitter. Criteria: ACMG Guidelines, 2015. Collection method: not provided. Allele origin: germline. Inheritance: Autosomal dominant inheritance. Affected: yes.

Clinical Genetics DNA and cytogenetics Diagnostics Lab, Erasmus MC, Erasmus Medical Center
Classification: Likely benign. Review status: no assertion criteria provided. Collection method: clinical testing. Allele origin: germline. Affected: yes. Study: VKGL Data-share Consensus. Not counted in ClinVar's aggregate classification.

Clinical Genetics, Academic Medical Center
Classification: Likely benign. Review status: no assertion criteria provided. Collection method: clinical testing. Allele origin: germline. Affected: yes. Study: VKGL Data-share Consensus. Not counted in ClinVar's aggregate classification.

Retina International
No classification provided. Review status: no classification provided. Collection method: not provided. Allele origin: unknown. Not counted in ClinVar's aggregate classification.

Literature cited by the submitters: PubMed 16123401 (cited by Institute of Human Genetics, Univ. Regensburg, Univ. Regensburg); PubMed 24265693 (cited by Institute of Human Genetics, Univ. Regensburg, Univ. Regensburg); PubMed 24066033 (cited by Institute of Human Genetics, Univ. Regensburg, Univ. Regensburg); PubMed 27884173 (cited by Institute of Human Genetics, Univ. Regensburg, Univ. Regensburg); PubMed 27013732 (cited by Institute of Human Genetics, Univ. Regensburg, Univ. Regensburg); PubMed 35022715 (cited by Institute of Human Genetics, Univ. Regensburg, Univ. Regensburg).